The following is an entry in ClinVar:

ClinVar aggregate classification (germline): Uncertain significance (1 of 4 stars; one submission).

Conditions:
Hereditary spastic paraplegia 3A (SPG3A). Also called: SPASTIC PARAPLEGIA 3, AUTOSOMAL DOMINANT; FAMILIAL SPASTIC PARAPLEGIA, AUTOSOMAL DOMINANT, 1; SPG3; STRUMPELL DISEASE; Spastic Paraplegia 3A; Spastic paraplegia 3A, autosomal dominant. Identifiers: Orphanet 100984, MedGen C2931355, MONDO:0008437, OMIM 182600.

gnomAD v4.1: 4 of 1,614,180 alleles (0.00025%); highest among the groups gnomAD compares: Admixed American, 0.0067%; no homozygotes.

Submission:

Labcorp Genetics (formerly Invitae), Labcorp
Classification: Uncertain significance for Hereditary spastic paraplegia 3A. Last evaluated: 2025-09-12. Review status: criteria provided, single submitter. Criteria: Invitae Variant Classification Sherloc (09022015). Collection method: clinical testing. Allele origin: germline.
Comment: This sequence change replaces isoleucine, which is neutral and non-polar, with threonine, which is neutral and polar, at codon 56 of the ATL1 protein (p.Ile56Thr). This variant is present in population databases (rs778699311, gnomAD 0.009%). This variant has not been reported in the literature in individuals affected with ATL1-related conditions. Invitae Evidence Modeling of protein sequence and biophysical properties (such as structural, functional, and spatial information, amino acid conservation, physicochemical variation, residue mobility, and thermodynamic stability) has been performed for this missense variant. However, the output from this modeling did not meet the statistical confidence thresholds required to predict the impact of this variant on ATL1 protein function. In summary, the available evidence is currently insufficient to determine the role of this variant in disease. Therefore, it has been classified as a Variant of Uncertain Significance.

NM_015915.5(ATL1):c.167T>C (p.Ile56Thr)

Gene: ATL1 (atlastin GTPase 1; plus strand). Cytogenetic location: 14q22.1.
Variant type: single nucleotide variant.
Coding change: c.167T>C on transcript NM_015915.5 (MANE Select); coding-DNA position 167, T replaced by C.
Protein change: p.Ile56Thr; replaces isoleucine 56 with threonine.
Molecular consequence: missense variant.
Genome position (GRCh38, 1-based): chr14:50,587,963, T>C. VCF-style: chr14-50587963-T-C. GRCh37 (hg19) VCF-style: chr14-51054681-T-C.
Other names: c.167T>C, p.Ile56Thr (NM_001127713.1, NM_181598.4); short protein forms I56T.
Identifiers: ClinVar variation 4752062 (VCV004752062.1).